The following is an entry in ClinVar:

NM_004415.4(DSP):c.3481G>A (p.Glu1161Lys)

Gene: DSP (desmoplakin; plus strand). Cytogenetic location: 6p24.3.
Variant type: single nucleotide variant.
Coding change: c.3481G>A on transcript NM_004415.4 (MANE Select); coding-DNA position 3481, G replaced by A.
Protein change: p.Glu1161Lys; replaces glutamic acid 1161 with lysine.
Molecular consequence: missense variant.
Genome position (GRCh38, 1-based): chr6:7,579,671, G>A. VCF-style: chr6-7579671-G-A. GRCh37 (hg19) VCF-style: chr6-7579904-G-A.
Other names: c.3481G>A, p.Glu1161Lys (NM_001008844.3, NM_001319034.2); short protein forms E1161K.
Identifiers: ClinVar variation 4281933 (VCV004281933.1).
Genomic context (GRCh38, chr6:7,579,671, plus strand): 5'-CAACTGCAGAAAGCAAGGCAATGTGAAAAGGAGAACCTTGGTTGGCAGAAATTAGAGTCT[G>A]AGAAAGCCATCAAGGAGAAGGAGTACGAGATTGAAAGGTTGAGGGTTCTACTGCAGGAAG-3'
Protein context (NP_004406.2, residues 1151-1171): ENLGWQKLES[Glu1161Lys]KAIKEKEYEI

ClinVar aggregate classification (germline): Uncertain significance (1 of 4 stars; one submission).

gnomAD v4.1: 1 of 1,613,782 alleles (0.000062%); highest among the groups gnomAD compares: Non-Finnish European, 0.000085%; no homozygotes.

Submission:

GeneDx
Classification: Uncertain significance. Last evaluated: 2025-04-12. Review status: criteria provided, single submitter. Criteria: GeneDx Variant Classification Process June 2021. Collection method: clinical testing. Allele origin: germline. Affected: yes.
Comment: Not observed at significant frequency in large population cohorts (gnomAD); In silico analysis supports that this missense variant has a deleterious effect on protein structure/function; Has not been previously published as pathogenic or benign to our knowledge